The following is an entry in ClinVar:

ClinVar aggregate classification (germline): Benign/Likely benign. Review status: criteria provided, multiple submitters, no conflicts (2 of 4 stars). 8 submissions from 8 submitters: Benign (2); Likely benign (2). 4 of the submissions do not count toward it. Last evaluated 2026-01-31.

Conditions:
Tuberous sclerosis syndrome (TSC). Also called: Tuberous Sclerosis Complex; Tuberous sclerosis. Identifiers: Orphanet 805, MedGen C0041341, MONDO:0001734.
Tuberous sclerosis 1 (TSC1). Identifiers: Orphanet 805, MedGen C1854465, MONDO:0008612, OMIM 191100.

Allele frequency attached by ClinVar (database versions not stated): gnomAD 0.00012 and 0.00011; gnomAD exomes 0.00019; ESP Exome Variant Server 0.00023; 1000 Genomes Project 30x 0.00031; TOPMed 0.00015; ExAC 0.00019.
gnomAD v4.1: 388 of 1,610,334 alleles (0.024%); highest among the groups gnomAD compares: Non-Finnish European, 0.032%; no homozygotes.

Submissions (8):

Labcorp Genetics (formerly Invitae), Labcorp
Classification: Likely benign for Tuberous sclerosis 1. Last evaluated: 2026-01-31. Review status: criteria provided, single submitter. Criteria: Invitae Variant Classification Sherloc (09022015). Collection method: clinical testing. Allele origin: germline.

Blueprint Genetics
Classification: Likely benign. Last evaluated: 2024-09-24. Review status: criteria provided, single submitter. Criteria: ACMG Guidelines, 2015. Collection method: clinical testing. Allele origin: germline.

ARUP Laboratories, Molecular Genetics and Genomics, ARUP Laboratories
Classification: Benign. Last evaluated: 2024-03-19. Review status: criteria provided, single submitter. Criteria: ARUP Molecular Germline Variant Investigation Process 2024. Collection method: clinical testing. Allele origin: germline.

GeneDx
Classification: Benign. Last evaluated: 2014-05-05. Review status: criteria provided, single submitter. Criteria: GeneDx Variant Classification (06012015). Collection method: clinical testing. Allele origin: germline. Affected: yes.
Comment: This variant is considered likely benign or benign based on one or more of the following criteria: it is a conservative change, it occurs at a poorly conserved position in the protein, it is predicted to be benign by multiple in silico algorithms, and/or has population frequency not consistent with disease.

Clinical Genetics DNA and cytogenetics Diagnostics Lab, Erasmus MC, Erasmus Medical Center
Classification: Benign. Review status: no assertion criteria provided. Collection method: clinical testing. Allele origin: germline. Affected: yes. Study: VKGL Data-share Consensus. Not counted in ClinVar's aggregate classification.

Clinical Genetics, Academic Medical Center
Classification: Likely benign. Review status: no assertion criteria provided. Collection method: clinical testing. Allele origin: germline. Affected: yes. Study: VKGL Data-share Consensus. Not counted in ClinVar's aggregate classification.

Genome Diagnostics Laboratory, Amsterdam University Medical Center
Classification: Likely benign. Review status: no assertion criteria provided. Collection method: clinical testing. Allele origin: germline. Affected: yes. Study: VKGL Data-share Consensus. Not counted in ClinVar's aggregate classification.

Tuberous sclerosis database (TSC1)
No classification provided. Condition: TSC. Review status: no classification provided. Criteria: Tuberous Sclerosis Database Assertion Criteria 2015. Collection method: curation. Allele origin: germline. Affected: yes. Not counted in ClinVar's aggregate classification.

NM_000368.5(TSC1):c.210+18A>G

Gene: TSC1 (TSC complex subunit 1; minus strand). Cytogenetic location: 9q34.13.
Variant type: single nucleotide variant.
Coding change: c.210+18A>G on transcript NM_000368.5 (MANE Select); 18 bases into the intron after coding-DNA position 210, A replaced by G.
Molecular consequence: intron variant.
Genome position (GRCh38, 1-based): chr9:132,927,183, T>C on the plus strand (A>G on the coding strand, the complement: TSC1 is on the minus strand). VCF-style: chr9-132927183-T-C. GRCh37 (hg19) VCF-style: chr9-135802570-T-C.
Other names: c.-153-1444A>G (NM_001362177.2); c.210+18A>G (NM_001162427.2, NM_001162426.2).
Identifiers: ClinVar variation 48890 (VCV000048890.16), dbSNP rs118203349, ClinGen allele CA005972.
Genomic context (GRCh38, chr9:132,927,183, plus strand): 5'-AGTTGCACAGTGGCCGTGCACAGAAGCTGTTGTACTCATGAAGAACATATGAAATGCCTA[T>C]GATATTTCAGCCATTACCTTGTCATGTGGCTCTTGCAAGGTGGTCAGGATGTGCAATGCC-3'